The following is an entry in ClinVar:

ClinVar aggregate classification (germline): Benign (1 of 4 stars; one submission).

Allele frequency attached by ClinVar (database versions not stated): gnomAD 0.04260 and 0.04383; 1000 Genomes Project 0.04293; TOPMed 0.04446; 1000 Genomes Project 30x 0.04560.
gnomAD v4.1: 6,467 of 152,258 alleles (4.2%); highest among the groups gnomAD compares: African/African-American, 9.2%; 181 homozygotes.

Submission:

GeneDx
Classification: Benign. Last evaluated: 2018-06-19. Review status: criteria provided, single submitter. Criteria: GeneDx Variant Classification (06012015). Collection method: clinical testing. Allele origin: germline. Affected: yes.
Comment: This variant is considered likely benign or benign based on one or more of the following criteria: it is a conservative change, it occurs at a poorly conserved position in the protein, it is predicted to be benign by multiple in silico algorithms, and/or has population frequency not consistent with disease.

NM_000141.5(FGFR2):c.-150-522C>T

Gene: FGFR2 (fibroblast growth factor receptor 2; minus strand). Cytogenetic location: 10q26.13.
Variant type: single nucleotide variant.
Coding change: c.-150-522C>T on transcript NM_000141.5 (MANE Select); 522 bases into the intron before 150 bases upstream of the start codon, C replaced by T.
Molecular consequence: intron variant.
Genome position (GRCh38, 1-based): chr10:121,594,489, G>A on the plus strand (C>T on the coding strand, the complement: FGFR2 is on the minus strand). VCF-style: chr10-121594489-G-A. GRCh37 (hg19) VCF-style: chr10-123354003-G-A.
Other names: c.-150-522C>T (NM_001144918.2, NM_001144917.2, NM_001320658.2 and 3 more transcripts).
Identifiers: ClinVar variation 670026 (VCV000670026.1), dbSNP rs3135717, ClinGen allele CA15633573.